The following is an entry in ClinVar:

NM_005159.5(ACTC1):c.886T>A (p.Tyr296Asn)

Genes: ACTC1 (actin alpha cardiac muscle 1; minus strand), GJD2-DT (GJD2 divergent transcript; plus strand). Cytogenetic location: 15q14.
Variant type: single nucleotide variant.
Coding change: c.886T>A on transcript NM_005159.5 (MANE Select); coding-DNA position 886, T replaced by A.
Protein change: p.Tyr296Asn; replaces tyrosine 296 with asparagine.
Molecular consequence: missense variant.
Genome position (GRCh38, 1-based): chr15:34,791,218, A>T on the plus strand (T>A on the coding strand, the complement: ACTC1 is on the minus strand). VCF-style: chr15-34791218-A-T. GRCh37 (hg19) VCF-style: chr15-35083419-A-T.
Other names: c.886T>A (LRG_388t1); short protein forms Y296N.
Identifiers: ClinVar variation 180768 (VCV000180768.8), dbSNP rs730880402, ClinGen allele CA019971.
Genomic context (GRCh38, chr15:34,791,218, plus strand): 5'-GCATACGATCAGCAATACCAGGGTACATAGTGGTGCCTCCAGATAAGACATTGTTGGCAT[A>T]CAGGTCCTTGCGGATATCAATGTCACACTTCATGATGCTATTGTAAGTTGTTTCATGGAT-3'
Protein context (NP_005150.1, residues 286-306): KCDIDIRKDL[Tyr296Asn]ANNVLSGGTT

ClinVar aggregate classification (germline): Uncertain significance (1 of 4 stars; one submission).

Conditions:
Atrial septal defect 5 (ASD5). Identifiers: Orphanet 1478, MedGen C2748552, MONDO:0013011, OMIM 612794.
Dilated cardiomyopathy 1R (CMD1R). Identifiers: Orphanet 154, Orphanet 54260, MedGen C3150681, MONDO:0013261, OMIM 613424.
Hypertrophic cardiomyopathy 11. Also called: ACTC1-Related Familial Hypertrophic Cardiomyopathy. Identifiers: MedGen C2677506, MONDO:0012799, OMIM 612098.

Submission:

Labcorp Genetics (formerly Invitae), Labcorp
Classification: Uncertain significance for Dilated cardiomyopathy 1R; Hypertrophic cardiomyopathy 11; Atrial septal defect 5. Last evaluated: 2022-09-20. Review status: criteria provided, single submitter. Criteria: Invitae Variant Classification Sherloc (09022015). Collection method: clinical testing. Allele origin: germline.
Comment: In summary, the available evidence is currently insufficient to determine the role of this variant in disease. Therefore, it has been classified as a Variant of Uncertain Significance. Algorithms developed to predict the effect of missense changes on protein structure and function (SIFT, PolyPhen-2, Align-GVGD) all suggest that this variant is likely to be disruptive. ClinVar contains an entry for this variant (Variation ID: 180768). This missense change has been observed in individual(s) with clinical features of ACTC1-related conditions (Invitae). This variant is not present in population databases (gnomAD no frequency). This sequence change replaces tyrosine, which is neutral and polar, with asparagine, which is neutral and polar, at codon 296 of the ACTC1 protein (p.Tyr296Asn).